The following is an entry in ClinVar:

NM_001379659.1(ZNF142):c.3105C>T (p.Ala1035=)

Gene: ZNF142 (zinc finger protein 142; minus strand). Cytogenetic location: 2q35.
Variant type: single nucleotide variant.
Coding change: c.3105C>T on transcript NM_001379659.1 (MANE Select); coding-DNA position 3105, C replaced by T.
Protein change: p.Ala1035=; no amino-acid change (alanine 1035 retained).
Molecular consequence: synonymous variant.
Genome position (GRCh38, 1-based): chr2:218,644,011, G>A on the plus strand (C>T on the coding strand, the complement: ZNF142 is on the minus strand). VCF-style: chr2-218644011-G-A. GRCh37 (hg19) VCF-style: chr2-219508734-G-A.
Other names: c.2505C>T, p.Ala835= (NM_001105537.5, NM_001366291.3, NM_001379662.1); c.2016C>T, p.Ala672= (NM_001366287.3, NM_001366288.3, NM_001366289.3); c.3105C>T, p.Ala1035= (NM_001366290.3, NM_001379660.1, NM_001379661.1).
Identifiers: ClinVar variation 2571120 (VCV002571120.29), dbSNP rs185508464, ClinGen allele CA2109069.

ClinVar aggregate classification (germline): Likely benign. Review status: criteria provided, multiple submitters, no conflicts (2 of 4 stars). 3 submissions from 3 submitters: Likely benign (2). 1 of the submissions does not count toward it. Last evaluated 2026-08-01.

Conditions:
ZNF142-related disorder. Also called: ZNF142-related condition.

Allele frequency attached by ClinVar (database versions not stated): 1000 Genomes Project 30x 0.00078; 1000 Genomes Project 0.00080; gnomAD 0.00259; ExAC 0.00269; TOPMed 0.00281; ESP Exome Variant Server 0.00335; gnomAD exomes 0.00417.
gnomAD v4.1: 6,493 of 1,614,146 alleles (0.4%); highest among the groups gnomAD compares: Non-Finnish European, 0.49%; 15 homozygotes.

Submissions (3):

CeGaT Center for Human Genetics Tuebingen
Classification: Likely benign. Last evaluated: 2026-08-01. Review status: criteria provided, single submitter. Criteria: CeGaT Center For Human Genetics Tuebingen Variant Classification Criteria Version 2. Collection method: clinical testing. Allele origin: germline. Affected: yes. Observed: 27 variant alleles.
Comment: ZNF142: BP4, BP7, BS2

Blueprint Genetics
Classification: Likely benign. Last evaluated: 2024-11-25. Review status: criteria provided, single submitter. Criteria: ACMG Guidelines, 2015. Collection method: clinical testing. Allele origin: germline.

PreventionGenetics, part of Exact Sciences
Classification: Benign for ZNF142-related condition. Last evaluated: 2024-05-08. Review status: no assertion criteria provided. Collection method: clinical testing. Allele origin: germline. Not counted in ClinVar's aggregate classification.
Comment: This variant is classified as benign based on ACMG/AMP sequence variant interpretation guidelines (Richards et al. 2015 PMID: 25741868, with internal and published modifications).